The following is an entry in ClinVar:

ClinVar aggregate classification (germline): Pathogenic. Review status: criteria provided, multiple submitters, no conflicts (2 of 4 stars). 2 submissions from 2 submitters: Pathogenic (2). Last evaluated 2023-08-29.

Conditions:
Granulomatous disease, chronic, autosomal recessive, cytochrome b-positive, type 2. Also called: CGD, AUTOSOMAL RECESSIVE CYTOCHROME b-POSITIVE, TYPE II; GRANULOMATOUS DISEASE, CHRONIC, DUE TO NCF2 DEFICIENCY; Chronic Granulomatous Disease, Autosomal Recessive, Cytochrome b-Positive, Type II; GRANULOMATOUS DISEASE, CHRONIC, AUTOSOMAL RECESSIVE, 2; Chronic granulomatous disease due to deficiency of NCF-2. Identifiers: Orphanet 379, MedGen C1856245, MONDO:0009310, OMIM 233710.
Chronic granulomatous disease. Identifiers: Orphanet 379, MedGen C0018203, MONDO:0018305.

Submissions (2):

Women's Health and Genetics/Laboratory Corporation of America, LabCorp
Classification: Pathogenic for Chronic granulomatous disease. Last evaluated: 2023-08-29. Review status: criteria provided, single submitter. Criteria: LabCorp Variant Classification Summary - May 2015. Collection method: clinical testing. Allele origin: germline.
Comment: Variant summary: NCF2 c.1099C>T (p.Gln367X) results in a premature termination codon, predicted to cause absence of the protein due to nonsense mediated decay, a commonly known mechanism for disease. The variant was absent in 251064 control chromosomes (gnomAD). c.1099C>T has been reported in the literature in at least one individual affected with Chronic Granulomatous Disease (e.g. Vignesh_2017) . This suggests the variant is likely to be associated with disease. To our knowledge, no experimental evidence demonstrating an impact on protein function has been reported. The following publication has been ascertained in the context of this evaluation (PMID: 28035544). No submitters have cited clinical-significance assessments for this variant to ClinVar after 2014. Based on the evidence outlined above, the variant was classified as pathogenic.

Labcorp Genetics (formerly Invitae), Labcorp
Classification: Pathogenic for Granulomatous disease, chronic, autosomal recessive, cytochrome b-positive, type 2. Last evaluated: 2023-04-03. Review status: criteria provided, single submitter. Criteria: Invitae Variant Classification Sherloc (09022015). Collection method: clinical testing. Allele origin: germline.
Comment: This sequence change creates a premature translational stop signal (p.Gln367*) in the NCF2 gene. It is expected to result in an absent or disrupted protein product. Loss-of-function variants in NCF2 are known to be pathogenic (PMID: 10498624, 20167518). This variant is not present in population databases (gnomAD no frequency). This premature translational stop signal has been observed in individual(s) with chronic granulomatous disease (PMID: 20167518, 28035544). For these reasons, this variant has been classified as Pathogenic.

Literature cited by the submitters: PubMed 28035544 (cited by Women's Health and Genetics/Laboratory Corporation of America, LabCorp and Labcorp Genetics (formerly Invitae), Labcorp); PubMed 10498624 (cited by Labcorp Genetics (formerly Invitae), Labcorp); PubMed 20167518 (cited by Labcorp Genetics (formerly Invitae), Labcorp).

NM_000433.4(NCF2):c.1099C>T (p.Gln367Ter)

Gene: NCF2 (neutrophil cytosolic factor 2; minus strand). Cytogenetic location: 1q25.3.
Variant type: single nucleotide variant.
Coding change: c.1099C>T on transcript NM_000433.4 (MANE Select); coding-DNA position 1099, C replaced by T.
Protein change: p.Gln367Ter; replaces glutamine 367 with a stop codon.
Molecular consequence: nonsense.
Genome position (GRCh38, 1-based): chr1:183,563,513, G>A on the plus strand (C>T on the coding strand, the complement: NCF2 is on the minus strand). VCF-style: chr1-183563513-G-A. GRCh37 (hg19) VCF-style: chr1-183532648-G-A.
Other names: c.991C>T, p.Gln331Ter (NM_001410895.1); c.1099C>T, p.Gln367Ter (NM_001127651.3); c.856C>T, p.Gln286Ter (NM_001190789.2); c.964C>T, p.Gln322Ter (NM_001190794.2); short protein forms Q286*, Q322*, Q331*, Q367*.
Identifiers: ClinVar variation 2581423 (VCV002581423.4), dbSNP rs2527910800, ClinGen allele CA343704602.